The following is an entry in ClinVar:

NM_000540.3(RYR1):c.164_165+1del

Gene: RYR1 (ryanodine receptor 1; plus strand). Cytogenetic location: 19q13.2.
Variant type: Deletion.
Coding change: c.164_165+1del on transcript NM_000540.3 (MANE Select); coding-DNA position 164 through the canonical splice donor site of the intron after coding-DNA position 165, 3 bases deleted (AGG; older notation c.164_165+1delAGG).
Molecular consequence: splice donor variant.
Genome position (GRCh38, 1-based): chr19:38,440,863-38,440,865, AGG deleted. VCF-style (leftmost placement, unchanged base first): chr19-38440862-CAGG-C. GRCh37 (hg19) VCF-style: chr19-38931502-CAGG-C.
Other names: c.164_165+1del (NM_001042723.2).
Identifiers: ClinVar variation 2829361 (VCV002829361.3), dbSNP rs2513957174, ClinGen allele CA2739276806.

ClinVar aggregate classification (germline): Likely pathogenic (1 of 4 stars; one submission).

Conditions:
RYR1-related disorder. Also called: RYR1-related condition; RYR1-related disorders. Identifiers: MedGen CN239331.

Submission:

Labcorp Genetics (formerly Invitae), Labcorp
Classification: Likely pathogenic for RYR1-related disorder. Last evaluated: 2023-01-18. Review status: criteria provided, single submitter. Criteria: Invitae Variant Classification Sherloc (09022015). Collection method: clinical testing. Allele origin: germline.
Comment: This variant results in the deletion of part of exon 2 (c.164_165+1del) of the RYR1 gene. It is expected to disrupt RNA splicing. Variants that disrupt the donor or acceptor splice site typically lead to a loss of protein function (PMID: 16199547), and loss-of-function variants in RYR1 are known to be pathogenic (PMID: 20583297, 20839240, 23919265, 28818389). In summary, the currently available evidence indicates that the variant is pathogenic, but additional data are needed to prove that conclusively. Therefore, this variant has been classified as Likely Pathogenic. Algorithms developed to predict the effect of sequence changes on RNA splicing suggest that this variant may disrupt the consensus splice site. This variant has not been reported in the literature in individuals affected with RYR1-related conditions. This variant is not present in population databases (gnomAD no frequency).

Literature cited by the submitters: PubMed 16199547; PubMed 20583297; PubMed 20839240; PubMed 23919265; PubMed 28818389.